The following is an entry in ClinVar:

ClinVar aggregate classification (germline): Benign. Review status: criteria provided, single submitter (1 of 4 stars). 2 submissions from 2 submitters: Benign (1). 1 of the submissions does not count toward it. Last evaluated 2025-11-05.

Conditions:
Rubinstein-Taybi syndrome due to EP300 haploinsufficiency. Also called: RUBINSTEIN-TAYBI SYNDROME 2; EP300-Related Rubinstein-Taybi Syndrome. Identifiers: Orphanet 353284, Orphanet 783, MedGen C3150941, MONDO:0013364, OMIM 613684.
EP300-related disorder. Also called: EP300-related condition; EP300-related disorders.

Allele frequency attached by ClinVar (database versions not stated): TOPMed 0.00001; gnomAD exomes 0.00002; gnomAD 0.00003; ExAC 0.00006.
gnomAD v4.1: 41 of 1,614,034 alleles (0.0025%); highest among the groups gnomAD compares: Non-Finnish European, 0.0019%; no homozygotes.

Submissions (2):

Labcorp Genetics (formerly Invitae), Labcorp
Classification: Benign for Rubinstein-Taybi syndrome due to EP300 haploinsufficiency. Last evaluated: 2025-11-05. Review status: criteria provided, single submitter. Criteria: Invitae Variant Classification Sherloc (09022015). Collection method: clinical testing. Allele origin: germline.

PreventionGenetics, part of Exact Sciences
Classification: Likely benign for EP300-related condition. Last evaluated: 2021-11-11. Review status: no assertion criteria provided. Collection method: clinical testing. Allele origin: germline. Not counted in ClinVar's aggregate classification.
Comment: This variant is classified as likely benign based on ACMG/AMP sequence variant interpretation guidelines (Richards et al. 2015 PMID: 25741868, with internal and published modifications).

NM_001429.4(EP300):c.2982G>A (p.Pro994=)

Genes: EP300 (EP300 lysine acetyltransferase; plus strand), LOC126863158 (BRD4-independent group 4 enhancer GRCh37_chr22:41547383-41548582; plus strand). Cytogenetic location: 22q13.2.
Variant type: single nucleotide variant.
Coding change: c.2982G>A on transcript NM_001429.4 (MANE Select); coding-DNA position 2982, G replaced by A.
Protein change: p.Pro994=; no amino-acid change (proline 994 retained).
Molecular consequence: synonymous variant.
Genome position (GRCh38, 1-based): chr22:41,151,997, G>A. VCF-style: chr22-41151997-G-A. GRCh37 (hg19) VCF-style: chr22-41548001-G-A.
Other names: c.2982G>A (NM_001429.3); c.2904G>A, p.Pro968= (NM_001362843.2).
Identifiers: ClinVar variation 2724425 (VCV002724425.5), dbSNP rs754364723, ClinGen allele CA10253005.